The following is an entry in ClinVar:

ClinVar aggregate classification (germline): Uncertain significance (1 of 4 stars; one submission).

Conditions:
Ehlers-Danlos syndrome, classic type, 1 (EDSCL1). Also called: EHLERS-DANLOS SYNDROME, GRAVIS TYPE; EHLERS-DANLOS SYNDROME, SEVERE CLASSIC TYPE; Ehlers-Danlos syndrome, type 1; EDS I; Ehlers-Danlos Syndrome, Classic Type, COL5A1-Related. Identifiers: MedGen C0268335, MONDO:0019567, OMIM 130000.

Allele frequency attached by ClinVar (database versions not stated): gnomAD exomes below 0.00001; TOPMed below 0.00001.
gnomAD v4.1: 2 of 1,550,736 alleles (0.00013%); highest among the groups gnomAD compares: Admixed American, 0.002%; no homozygotes.

Submission:

Labcorp Genetics (formerly Invitae), Labcorp
Classification: Uncertain significance for Ehlers-Danlos syndrome, classic type, 1. Last evaluated: 2022-06-17. Review status: criteria provided, single submitter. Criteria: Invitae Variant Classification Sherloc (09022015). Collection method: clinical testing. Allele origin: germline.
Comment: In summary, the available evidence is currently insufficient to determine the role of this variant in disease. Therefore, it has been classified as a Variant of Uncertain Significance. This variant disrupts the triple helix domain of COL5A1. Glycine residues within the Gly-Xaa-Yaa repeats of the triple helix domain are required for the structure and stability of fibrillar collagens (PMID: 7695699, 8218237, 19344236), and variants at these glycine residues in COL5A1 are more frequently observed in individuals with disease than in the general population (PMID: 22696272, 23587214). However, the clinical significance of this observation remains uncertain since only a limited number of affected individuals have been described to date. Advanced modeling of protein sequence and biophysical properties (such as structural, functional, and spatial information, amino acid conservation, physicochemical variation, residue mobility, and thermodynamic stability) performed at Invitae indicates that this missense variant is expected to disrupt COL5A1 protein function. This variant has not been reported in the literature in individuals affected with COL5A1-related conditions. This variant is not present in population databases (gnomAD no frequency). This sequence change replaces glycine, which is neutral and non-polar, with alanine, which is neutral and non-polar, at codon 1300 of the COL5A1 protein (p.Gly1300Ala).

Literature cited by the submitters: PubMed 7695699; PubMed 8218237; PubMed 19344236; PubMed 22696272; PubMed 23587214.

NM_000093.5(COL5A1):c.3899G>C (p.Gly1300Ala)

Gene: COL5A1 (collagen type V alpha 1 chain; plus strand). Cytogenetic location: 9q34.3.
Variant type: single nucleotide variant.
Coding change: c.3899G>C on transcript NM_000093.5 (MANE Select); coding-DNA position 3899, G replaced by C.
Protein change: p.Gly1300Ala; replaces glycine 1300 with alanine.
Molecular consequence: missense variant.
Genome position (GRCh38, 1-based): chr9:134,814,029, G>C. VCF-style: chr9-134814029-G-C. GRCh37 (hg19) VCF-style: chr9-137705875-G-C.
Other names: c.3899G>C, p.Gly1300Ala (NM_001278074.1); short protein forms G1300A.
Identifiers: ClinVar variation 2129389 (VCV002129389.4), dbSNP rs1838643534, ClinGen allele CA375455492.
Genomic context (GRCh38, chr9:134,814,029, plus strand): 5'-CACTGTCTCCCTAGGGCGAGCCTGGCGAAGCAGGTGAGCCTGGCCTTCCGGGAGAAGGCG[G>C]CCCCCCGGTGAGTGAGCGGGCGCTGCGGGAGGGGTGGGATATGGCCGAGCGGGTGTGTGG-3'
Protein context (NP_000084.3, residues 1290-1310): AGEPGLPGEG[Gly1300Ala]PPGPKGERGE